The following is an entry in ClinVar:

NM_000550.3(TYRP1):c.*509C>A

Genes: TYRP1 (tyrosinase related protein 1; plus strand), LURAP1L-AS1 (LURAP1L antisense RNA 1; minus strand). Cytogenetic location: 9p23.
Variant type: single nucleotide variant.
Coding change: c.*509C>A on transcript NM_000550.3 (MANE Select); 509 bases downstream of the stop codon, C replaced by A.
Molecular consequence: 3 prime UTR variant.
Genome position (GRCh38, 1-based): chr9:12,709,691, C>A. VCF-style: chr9-12709691-C-A. GRCh37 (hg19) VCF-style: chr9-12709691-C-A.
Identifiers: ClinVar variation 364868 (VCV000364868.6), dbSNP rs74941076, ClinGen allele CA10632383.

ClinVar aggregate classification (germline): Likely benign. Review status: criteria provided, multiple submitters, no conflicts (2 of 4 stars). 2 submissions from 2 submitters: Likely benign (2). Last evaluated 2018-01-13.

Conditions:
Oculocutaneous albinism type 3 (OCA3). Also called: ALBINISM III; RUFOUS OCULOCUTANEOUS ALBINISM; XANTHISM; Albinism, oculocutaneous, type III; Rufous OCA; Rufous albinism. Identifiers: Orphanet 79433, MedGen C0342683, MONDO:0008747, OMIM 203290.

Allele frequency attached by ClinVar (database versions not stated): TOPMed 0.00291; gnomAD 0.00443; gnomAD exomes 0.00508; 1000 Genomes Project 30x 0.00703; 1000 Genomes Project 0.00819.
gnomAD v4.1: 531 of 161,258 alleles (0.33%); highest among the groups gnomAD compares: East Asian, 3.6%; 6 homozygotes.

Submissions (2):

Illumina Laboratory Services, Illumina
Classification: Likely benign for Oculocutaneous albinism type 3. Last evaluated: 2018-01-13. Review status: criteria provided, single submitter. Criteria: ICSL Variant Classification Criteria 13 December 2019. Collection method: clinical testing. Allele origin: germline.
Comment: This variant was observed in the ICSL laboratory as part of a predisposition screen in an ostensibly healthy population. It had not been previously curated by ICSL or reported in the Human Gene Mutation Database (HGMD: prior to June 1st, 2018), and was therefore a candidate for classification through an automated scoring system. Utilizing variant allele frequency, disease prevalence and penetrance estimates, and inheritance mode, an automated score was calculated to assess if this variant is too frequent to cause the disease. Based on the score and internal cut-off values, a variant classified as likely benign is not then subjected to further curation. The score for this variant resulted in a classification of likely benign for this disease.

Breakthrough Genomics
Classification: Likely benign. Review status: criteria provided, single submitter. Criteria: ACMG Guidelines, 2015. Collection method: not provided. Allele origin: germline. Inheritance: Autosomal recessive inheritance. Affected: yes.